The following is an entry in ClinVar:

ClinVar aggregate classification (germline): Benign. Review status: criteria provided, multiple submitters, no conflicts (2 of 4 stars). 2 submissions from 2 submitters: Benign (2). Last evaluated 2018-06-19.

Allele frequency attached by ClinVar (database versions not stated): TOPMed 0.18598; 1000 Genomes Project 30x 0.19441; gnomAD 0.19574 and 0.19656; 1000 Genomes Project 0.20108.
gnomAD v4.1: 143,696 of 686,712 alleles (21%); highest among the groups gnomAD compares: East Asian, 35%; 16,235 homozygotes.

Submissions (2):

GeneDx
Classification: Benign. Last evaluated: 2018-06-19. Review status: criteria provided, single submitter. Criteria: GeneDx Variant Classification (06012015). Collection method: clinical testing. Allele origin: germline. Affected: yes.
Comment: This variant is considered likely benign or benign based on one or more of the following criteria: it is a conservative change, it occurs at a poorly conserved position in the protein, it is predicted to be benign by multiple in silico algorithms, and/or has population frequency not consistent with disease.

Breakthrough Genomics
Classification: Benign. Review status: criteria provided, single submitter. Criteria: ACMG Guidelines, 2015. Collection method: not provided. Allele origin: germline. Inheritance: Autosomal recessive inheritance. Affected: yes.

NM_002474.3(MYH11):c.634-137A>G

Gene: MYH11 (myosin heavy chain 11; minus strand). Cytogenetic location: 16p13.11.
Variant type: single nucleotide variant.
Coding change: c.634-137A>G on transcript NM_002474.3 (MANE Select); 137 bases into the intron before coding-DNA position 634, A replaced by G.
Molecular consequence: intron variant.
Genome position (GRCh38, 1-based): chr16:15,782,614, T>C on the plus strand (A>G on the coding strand, the complement: MYH11 is on the minus strand). VCF-style: chr16-15782614-T-C. GRCh37 (hg19) VCF-style: chr16-15876471-T-C.
Other names: c.634-137A>G (NM_022844.3); c.655-137A>G (NM_001040114.2, NM_001040113.2).
Identifiers: ClinVar variation 673792 (VCV000673792.2), dbSNP rs2075513, ClinGen allele CA15864757.
Genomic context (GRCh38, chr16:15,782,614, plus strand): 5'-CAAAACTCTGCCCTTAACCCACAGGTTCTCTCCTATCTCCTACCTCCTCTTAGACCCTGA[T>C]GCTAATGTTCAGATTTACAGGAGGATTTCAGAAGAGAAGCAACTGTCTGAGCTCTCTAAT-3'